The following is an entry in ClinVar:

NM_006939.4(SOS2):c.1079C>T (p.Ala360Val)

Gene: SOS2 (SOS Ras/Rho guanine nucleotide exchange factor 2; minus strand). Cytogenetic location: 14q21.3.
Variant type: single nucleotide variant.
Coding change: c.1079C>T on transcript NM_006939.4 (MANE Select); coding-DNA position 1079, C replaced by T.
Protein change: p.Ala360Val; replaces alanine 360 with valine.
Molecular consequence: missense variant.
Genome position (GRCh38, 1-based): chr14:50,161,599, G>A on the plus strand (C>T on the coding strand, the complement: SOS2 is on the minus strand). VCF-style: chr14-50161599-G-A. GRCh37 (hg19) VCF-style: chr14-50628317-G-A.
Other names: c.980C>T, p.Ala327Val (NM_001411020.1); short protein forms A327V, A360V.
Identifiers: ClinVar variation 3321562 (VCV003321562.1).
Genomic context (GRCh38, chr14:50,161,599, plus strand): 5'-TTCATGAGAGCAGTAATAGCTTGGTTCAAACATTCTCTGTCTTCTTGTTCTTCACTACAT[G>A]CTTTCAATTGCTAAGAAAAAACAGAAAGAAAAATCAAAACTGCATTGTTTGATTCTTCCC-3'
Protein context (NP_008870.2, residues 350-370): HYFELLKQLK[Ala360Val]CSEEQEDREC

ClinVar aggregate classification (germline): Uncertain significance (1 of 4 stars; one submission).

Conditions:
Cardiovascular phenotype. Identifiers: MedGen CN230736.

gnomAD v4.1: 1 of 1,610,194 alleles (0.000062%); highest among the groups gnomAD compares: Non-Finnish European, 0.000085%; no homozygotes.

Submission:

Ambry Genetics
Classification: Uncertain significance for Cardiovascular phenotype. Last evaluated: 2024-06-09. Review status: criteria provided, single submitter. Criteria: Ambry Variant Classification Scheme 2023. Collection method: clinical testing. Allele origin: germline.
Comment: The p.A360V variant (also known as c.1079C>T), located in coding exon 9 of the SOS2 gene, results from a C to T substitution at nucleotide position 1079. The alanine at codon 360 is replaced by valine, an amino acid with similar properties. This amino acid position is conserved. In addition, this alteration is predicted to be tolerated by in silico analysis. Based on the available evidence, the clinical significance of this variant remains unclear.